The following is an entry in ClinVar:

ClinVar aggregate classification (germline): Likely benign. Review status: criteria provided, multiple submitters, no conflicts (2 of 4 stars). 2 submissions from 2 submitters: Likely benign (2). Last evaluated 2025-12-09.

Conditions:
Duchenne muscular dystrophy (DMD). Also called: MUSCULAR DYSTROPHY, PSEUDOHYPERTROPHIC PROGRESSIVE, DUCHENNE TYPE; Duchenne Muscular Dystrophy (DMD). Identifiers: Orphanet 98896, MedGen C0013264, MONDO:0010679, OMIM 310200.

Allele frequency attached by ClinVar (database versions not stated): ExAC 0.00001; gnomAD exomes 0.00001; gnomAD 0.00005; TOPMed 0.00006.
gnomAD v4.1: 8 of 1,201,290 alleles (0.00067%); highest among the groups gnomAD compares: African/African-American, 0.014%; no homozygotes.

Submissions (2):

Labcorp Genetics (formerly Invitae), Labcorp
Classification: Likely benign for Duchenne muscular dystrophy. Last evaluated: 2025-12-09. Review status: criteria provided, single submitter. Criteria: Invitae Variant Classification Sherloc (09022015). Collection method: clinical testing. Allele origin: germline.

GeneDx
Classification: Likely benign. Last evaluated: 2017-03-22. Review status: criteria provided, single submitter. Criteria: GeneDx Variant Classification (06012015). Collection method: clinical testing. Allele origin: germline. Affected: yes.
Comment: This variant is considered likely benign or benign based on one or more of the following criteria: it is a conservative change, it occurs at a poorly conserved position in the protein, it is predicted to be benign by multiple in silico algorithms, and/or has population frequency not consistent with disease.

NM_004006.3(DMD):c.6291-20C>G

Gene: DMD (dystrophin; minus strand). Cytogenetic location: Xp21.1.
Variant type: single nucleotide variant.
Coding change: c.6291-20C>G on transcript NM_004006.3 (MANE Select); 20 bases into the intron before coding-DNA position 6291, C replaced by G.
Molecular consequence: intron variant.
Genome position (GRCh38, 1-based): chrX:32,217,083, G>C on the plus strand (C>G on the coding strand, the complement: DMD is on the minus strand). VCF-style: chrX-32217083-G-C. GRCh37 (hg19) VCF-style: chrX-32235200-G-C.
Other names: c.6267-20C>G (NM_000109.4); c.2268-20C>G (NM_004011.4); c.2259-20C>G (NM_004012.4); c.6279-20C>G (NM_004009.3); c.5922-20C>G (NM_004010.3).
Identifiers: ClinVar variation 508222 (VCV000508222.6), dbSNP rs776983141, ClinGen allele CA10378492.